The following is an entry in ClinVar:

ClinVar aggregate classification (germline): Likely benign. Review status: criteria provided, single submitter (1 of 4 stars). 2 submissions from 2 submitters: Likely benign (1). 1 of the submissions does not count toward it. Last evaluated 2025-03-25.

Conditions:
ASPM-related disorder. Also called: ASPM-related condition.

Allele frequency attached by ClinVar (database versions not stated): gnomAD 0.00001; TOPMed 0.00001; ExAC 0.00001.
gnomAD v4.1: 45 of 1,613,780 alleles (0.0028%); highest among the groups gnomAD compares: Non-Finnish European, 0.0037%; no homozygotes.

Submissions (2):

Labcorp Genetics (formerly Invitae), Labcorp
Classification: Likely benign. Last evaluated: 2025-03-25. Review status: criteria provided, single submitter. Criteria: Invitae Variant Classification Sherloc (09022015). Collection method: clinical testing. Allele origin: germline.

PreventionGenetics, part of Exact Sciences
Classification: Likely benign for ASPM-related condition. Last evaluated: 2022-11-11. Review status: no assertion criteria provided. Collection method: clinical testing. Allele origin: germline. Not counted in ClinVar's aggregate classification.
Comment: This variant is classified as likely benign based on ACMG/AMP sequence variant interpretation guidelines (Richards et al. 2015 PMID: 25741868, with internal and published modifications).

NM_018136.5(ASPM):c.3546A>T (p.Ser1182=)

Gene: ASPM (assembly factor for spindle microtubules; minus strand). Cytogenetic location: 1q31.3.
Variant type: single nucleotide variant.
Coding change: c.3546A>T on transcript NM_018136.5 (MANE Select); coding-DNA position 3546, A replaced by T.
Protein change: p.Ser1182=; no amino-acid change (serine 1182 retained).
Molecular consequence: synonymous variant.
Genome position (GRCh38, 1-based): chr1:197,122,440, T>A on the plus strand (A>T on the coding strand, the complement: ASPM is on the minus strand). VCF-style: chr1-197122440-T-A. GRCh37 (hg19) VCF-style: chr1-197091570-T-A.
Other names: c.3546A>T, p.Ser1182= (NM_001206846.2).
Identifiers: ClinVar variation 3031624 (VCV003031624.3), dbSNP rs749550278, ClinGen allele CA1310145.